The following is an entry in ClinVar:

NM_018676.4(THSD1):c.495C>T (p.Ile165=)

Gene: THSD1 (thrombospondin type 1 domain containing 1; minus strand). Cytogenetic location: 13q14.3.
Variant type: single nucleotide variant.
Coding change: c.495C>T on transcript NM_018676.4 (MANE Select); coding-DNA position 495, C replaced by T.
Protein change: p.Ile165=; no amino-acid change (isoleucine 165 retained).
Molecular consequence: synonymous variant.
Genome position (GRCh38, 1-based): chr13:52,397,758, G>A on the plus strand (C>T on the coding strand, the complement: THSD1 is on the minus strand). VCF-style: chr13-52397758-G-A. GRCh37 (hg19) VCF-style: chr13-52971893-G-A.
Other names: c.495C>T, p.Ile165= (NM_199263.3).
Identifiers: ClinVar variation 3059040 (VCV003059040.2), dbSNP rs3803264, ClinGen allele CA6992188.

ClinVar aggregate classification (germline): Benign (0 of 4 stars; one submission).

Conditions:
THSD1-related disorder. Also called: THSD1-related condition.

Allele frequency attached by ClinVar (database versions not stated): 1000 Genomes Project 0.58766; 1000 Genomes Project 30x 0.58791; TOPMed 0.60087; ESP Exome Variant Server 0.60172; gnomAD 0.60926; ExAC 0.63798; gnomAD exomes 0.65288.
gnomAD v4.1: 1,047,400 of 1,614,008 alleles (65%); highest among the groups gnomAD compares: Middle Eastern, 71%; 342,014 homozygotes.

Submission:

PreventionGenetics, part of Exact Sciences
Classification: Benign for THSD1-related condition. Last evaluated: 2019-10-17. Review status: no assertion criteria provided. Collection method: clinical testing. Allele origin: germline.
Comment: This variant is classified as benign based on ACMG/AMP sequence variant interpretation guidelines (Richards et al. 2015 PMID: 25741868, with internal and published modifications).